The following is an entry in ClinVar:

ClinVar aggregate classification (germline): Conflicting classifications of pathogenicity. Review status: criteria provided, conflicting classifications (1 of 4 stars). 5 submissions from 5 submitters: Uncertain significance (3); Likely benign (1). 1 of the submissions does not count toward it. Last evaluated 2025-06-11.

Conditions:
Cardiovascular phenotype. Identifiers: MedGen CN230736.
Catecholaminergic polymorphic ventricular tachycardia (CVPT). Also called: Catecholamine-induced polymorphic ventricular tachycardia. Identifiers: Orphanet 3286, MedGen C5574922, MONDO:0017990.
Arrhythmogenic right ventricular dysplasia 9 (ARVD9). Also called: Arrhythmogenic Right Ventricular Dysplasia/Cardiomyopathy 9; ARRHYTHMOGENIC RIGHT VENTRICULAR DYSPLASIA, FAMILIAL, 9. Identifiers: MedGen C1836906, MONDO:0012180, OMIM 609040.
Cardiomyopathy (CMYO). Also called: Cardiomyopathies. Identifiers: Orphanet 167848, MedGen C0878544, MONDO:0004994, HP:0001638. Inheritance: Various modes of inheritance.
Catecholaminergic polymorphic ventricular tachycardia 1. Also called: VENTRICULAR TACHYCARDIA, STRESS-INDUCED POLYMORPHIC 1; VENTRICULAR TACHYCARDIA, CATECHOLAMINERGIC POLYMORPHIC, 1, WITH OR WITHOUT ATRIAL DYSFUNCTION AND/OR DILATED CARDIOMYOPATHY; RYR2-Related Catecholaminergic Polymorphic Ventricular Tachycardia. Identifiers: Orphanet 3286, MedGen C1631597, MONDO:0011484, OMIM 604772.

Allele frequency attached by ClinVar (database versions not stated): TOPMed 0.00001; 1000 Genomes Project 30x 0.00016; 1000 Genomes Project 0.00020.
gnomAD v4.1: 26 of 1,613,802 alleles (0.0016%); highest among the groups gnomAD compares: East Asian, 0.0045%; no homozygotes.

Submissions (5):

Labcorp Genetics (formerly Invitae), Labcorp
Classification: Likely benign for Catecholaminergic polymorphic ventricular tachycardia 1. Last evaluated: 2025-06-11. Review status: criteria provided, single submitter. Criteria: Invitae Variant Classification Sherloc (09022015). Collection method: clinical testing. Allele origin: germline.

Ambry Genetics
Classification: Uncertain significance for Cardiovascular phenotype. Last evaluated: 2024-10-09. Review status: criteria provided, single submitter. Criteria: Ambry Variant Classification Scheme 2023. Collection method: clinical testing. Allele origin: germline.
Comment: The p.D1357N variant (also known as c.4069G>A), located in coding exon 31 of the RYR2 gene, results from a G to A substitution at nucleotide position 4069. The aspartic acid at codon 1357 is replaced by asparagine, an amino acid with highly similar properties. This amino acid position is well conserved in available vertebrate species. In addition, this alteration is predicted to be tolerated by in silico analysis. Based on the available evidence, the clinical significance of this variant remains unclear.

All of Us Research Program, National Institutes of Health
Classification: Uncertain significance for Catecholaminergic polymorphic ventricular tachycardia. Last evaluated: 2024-09-23. Review status: criteria provided, single submitter. Criteria: ACMG Guidelines, 2015. Collection method: clinical testing. Allele origin: germline. Inheritance: Autosomal dominant inheritance. Observed: 4 variant alleles, 4 heterozygotes.
Comment: This missense variant replaces aspartic acid with asparagine at codon 1357 of the RYR2 protein. Computational prediction suggests that this variant may not impact protein structure and function (internally defined REVEL score threshold <= 0.5, PMID: 27666373). Splice site prediction tools suggest that this variant may not impact RNA splicing. To our knowledge, functional studies have not been performed for this variant. This variant has not been reported in individuals affected with cardiovascular disorders in the literature. This variant has been identified in 4/248560 chromosomes in the general population by the Genome Aggregation Database (gnomAD). The available evidence is insufficient to determine the role of this variant in disease conclusively. Therefore, this variant is classified as a Variant of Uncertain Significance.

This study involves interpretation of variants in research participants for the purpose of population health screening. Participant phenotype was not available at the time of variant classification. Additional details can be found in publication PMID: 35346344, PMCID: PMC8962531

Color Diagnostics, LLC DBA Color Health
Classification: Uncertain significance for Cardiomyopathy. Last evaluated: 2024-05-02. Review status: criteria provided, single submitter. Criteria: ACMG Guidelines, 2015. Collection method: clinical testing. Allele origin: germline.
Comment: This missense variant replaces aspartic acid with asparagine at codon 1357 of the RYR2 protein. Computational prediction suggests that this variant may not impact protein structure and function (internally defined REVEL score threshold <= 0.5, PMID: 27666373). Splice site prediction tools suggest that this variant may not impact RNA splicing. To our knowledge, functional studies have not been performed for this variant. This variant has not been reported in individuals affected with cardiovascular disorders in the literature. This variant has been identified in 4/248560 chromosomes in the general population by the Genome Aggregation Database (gnomAD). The available evidence is insufficient to determine the role of this variant in disease conclusively. Therefore, this variant is classified as a Variant of Uncertain Significance.

Institut für Laboratoriums- und Transfusionsmedizin, Herz- und Diabeteszentrum Nordrhein-Westfalen
Classification: Uncertain significance for Arrhythmogenic right ventricular dysplasia 9. Last evaluated: 2016-05-01. Review status: no assertion criteria provided. Collection method: clinical testing. Allele origin: germline. Affected: yes. Observed: 1 variant allele. Not counted in ClinVar's aggregate classification.

NM_001035.3(RYR2):c.4069G>A (p.Asp1357Asn)

Genes: RYR2 (ryanodine receptor 2; plus strand), LOC126806067 (BRD4-independent group 4 enhancer GRCh37_chr1:237753258-237754457; plus strand). Cytogenetic location: 1q43.
Variant type: single nucleotide variant.
Coding change: c.4069G>A on transcript NM_001035.3 (MANE Select); coding-DNA position 4069, G replaced by A.
Protein change: p.Asp1357Asn; replaces aspartic acid 1357 with asparagine.
Molecular consequence: missense variant.
Genome position (GRCh38, 1-based): chr1:237,590,901, G>A. VCF-style: chr1-237590901-G-A. GRCh37 (hg19) VCF-style: chr1-237754201-G-A.
Other names: c.4069G>A, p.Asp1357Asn (LRG_402t1); short protein forms D1357N.
Identifiers: ClinVar variation 265837 (VCV000265837.11), dbSNP rs193922626, ClinGen allele CA086527.